The following is an entry in ClinVar:

NM_004484.4(GPC3):c.546A>G (p.Leu182=)

Gene: GPC3 (glypican 3; minus strand). Cytogenetic location: Xq26.2.
Variant type: single nucleotide variant.
Coding change: c.546A>G on transcript NM_004484.4 (MANE Select); coding-DNA position 546, A replaced by G.
Protein change: p.Leu182=; no amino-acid change (leucine 182 retained).
Molecular consequence: synonymous variant.
Genome position (GRCh38, 1-based): chrX:133,753,968, T>C on the plus strand (A>G on the coding strand, the complement: GPC3 is on the minus strand). VCF-style: chrX-133753968-T-C. GRCh37 (hg19) VCF-style: chrX-132887995-T-C.
Other names: c.546A>G, p.Leu182= (NM_001164617.2); c.498A>G, p.Leu166= (NM_001164618.2); c.384A>G, p.Leu128= (NM_001164619.2).
Identifiers: ClinVar variation 4083922 (VCV004083922.8).

ClinVar aggregate classification (germline): Likely benign (1 of 4 stars; one submission).

gnomAD v4.1: 1 of 1,210,472 alleles (0.000083%); highest among the groups gnomAD compares: East Asian, 0.003%; no homozygotes.

Submission:

CeGaT Center for Human Genetics Tuebingen
Classification: Likely benign. Last evaluated: 2025-08-01. Review status: criteria provided, single submitter. Criteria: CeGaT Center For Human Genetics Tuebingen Variant Classification Criteria Version 2. Collection method: clinical testing. Allele origin: germline. Affected: yes. Observed: 1 variant allele.
Comment: GPC3: BP4, BP7